The following is an entry in ClinVar:

ClinVar aggregate classification (germline): Pathogenic (1 of 4 stars; one submission).

Submission:

Labcorp Genetics (formerly Invitae), Labcorp
Classification: Pathogenic. Last evaluated: 2023-10-28. Review status: criteria provided, single submitter. Criteria: Invitae Variant Classification Sherloc (09022015). Collection method: clinical testing. Allele origin: germline.
Comment: This sequence change creates a premature translational stop signal (p.Pro122Thrfs*9) in the CC2D1A gene. It is expected to result in an absent or disrupted protein product. Loss-of-function variants in CC2D1A are known to be pathogenic (PMID: 16033914). This variant is not present in population databases (gnomAD no frequency). This variant has not been reported in the literature in individuals affected with CC2D1A-related conditions. For these reasons, this variant has been classified as Pathogenic.

Literature cited by the submitters: PubMed 16033914.

NM_017721.5(CC2D1A):c.362dup (p.Pro122fs)

Gene: CC2D1A (coiled-coil and C2 domain containing 1A; plus strand). Cytogenetic location: 19p13.12.
Variant type: Duplication.
Coding change: c.362dup on transcript NM_017721.5 (MANE Select); coding-DNA position 362, one base duplicated (C; older notation c.362dupC).
Protein change: p.Pro122fs; shifts the reading frame from proline 122.
Molecular consequence: frameshift variant.
Genome position (GRCh38, 1-based): chr19:13,912,577, C duplicated; the last of 4 consecutive C bases (chr19:13,912,574-13,912,577); duplicating any one gives the same sequence. VCF-style (leftmost placement, unchanged base first): chr19-13912573-A-AC. GRCh37 (hg19) VCF-style: chr19-14023386-A-AC.
Other names: c.362dup, p.Pro122fs (NM_001411138.1); short protein forms P122fs.
Identifiers: ClinVar variation 2772300 (VCV002772300.3), dbSNP rs2513071572, ClinGen allele CA2582867316.
Genomic context (GRCh38, chr19:13,912,573, plus strand): 5'-TGTGTGTCCCTGCAGGCGGAGCTAAATGAGGTCCTTGGAGAGGAGCAGAAGGCTTCAGAG[A>AC]CCCCACCTCCTGTGGCCCAGGTACAGTTTGGATGACTCCACTCCCTTGAACCACAACCCA-3'